The following is an entry in ClinVar:

ClinVar aggregate classification (germline): Likely benign. Review status: criteria provided, multiple submitters, no conflicts (2 of 4 stars). 4 submissions from 4 submitters: Likely benign (4). Last evaluated 2025-09-03.

Conditions:
Catecholaminergic polymorphic ventricular tachycardia (CVPT). Also called: Catecholamine-induced polymorphic ventricular tachycardia. Identifiers: Orphanet 3286, MedGen C5574922, MONDO:0017990.
Catecholaminergic polymorphic ventricular tachycardia 1. Also called: VENTRICULAR TACHYCARDIA, CATECHOLAMINERGIC POLYMORPHIC, 1, WITH OR WITHOUT ATRIAL DYSFUNCTION AND/OR DILATED CARDIOMYOPATHY; VENTRICULAR TACHYCARDIA, STRESS-INDUCED POLYMORPHIC 1; RYR2-Related Catecholaminergic Polymorphic Ventricular Tachycardia. Identifiers: Orphanet 3286, MedGen C1631597, MONDO:0011484, OMIM 604772.
Cardiomyopathy (CMYO). Also called: Cardiomyopathies. Identifiers: Orphanet 167848, MedGen C0878544, MONDO:0004994, HP:0001638. Inheritance: Various modes of inheritance.
Cardiovascular phenotype. Identifiers: MedGen CN230736.

Allele frequency attached by ClinVar (database versions not stated): TOPMed 0.00001; ExAC 0.00003; gnomAD exomes 0.00001.
gnomAD v4.1: 8 of 1,613,482 alleles (0.0005%); highest among the groups gnomAD compares: Non-Finnish European, 0.00059%; no homozygotes.

Submissions (4):

Labcorp Genetics (formerly Invitae), Labcorp
Classification: Likely benign for Catecholaminergic polymorphic ventricular tachycardia 1. Last evaluated: 2025-09-03. Review status: criteria provided, single submitter. Criteria: Invitae Variant Classification Sherloc (09022015). Collection method: clinical testing. Allele origin: germline.

Ambry Genetics
Classification: Likely benign for Cardiovascular phenotype. Last evaluated: 2025-05-15. Review status: criteria provided, single submitter. Criteria: Ambry Variant Classification Scheme 2023. Collection method: clinical testing. Allele origin: germline.

All of Us Research Program, National Institutes of Health
Classification: Likely benign for Catecholaminergic polymorphic ventricular tachycardia. Last evaluated: 2023-06-15. Review status: criteria provided, single submitter. Criteria: ACMG Guidelines, 2015. Collection method: clinical testing. Allele origin: germline. Inheritance: Autosomal dominant inheritance. Observed: 1 variant allele, 1 heterozygote.
Comment: This study involves interpretation of variants in research participants for the purpose of population health screening. Participant phenotype was not available at the time of variant classification. Additional details can be found in publication PMID: 35346344, PMCID: PMC8962531

Color Diagnostics, LLC DBA Color Health
Classification: Likely benign for Cardiomyopathy. Last evaluated: 2019-04-14. Review status: criteria provided, single submitter. Criteria: ACMG Guidelines, 2015. Collection method: clinical testing. Allele origin: germline.

NM_001035.3(RYR2):c.6159A>G (p.Lys2053=)

Gene: RYR2 (ryanodine receptor 2; plus strand). Cytogenetic location: 1q43.
Variant type: single nucleotide variant.
Coding change: c.6159A>G on transcript NM_001035.3 (MANE Select); coding-DNA position 6159, A replaced by G.
Protein change: p.Lys2053=; no amino-acid change (lysine 2053 retained).
Molecular consequence: synonymous variant.
Genome position (GRCh38, 1-based): chr1:237,625,797, A>G. VCF-style: chr1-237625797-A-G. GRCh37 (hg19) VCF-style: chr1-237789097-A-G.
Identifiers: ClinVar variation 699901 (VCV000699901.16), dbSNP rs779498979, ClinGen allele CA087056.